The following is an entry in ClinVar:

NM_025179.4(PLXNA2):c.729C>T (p.Tyr243=)

Gene: PLXNA2 (plexin A2; minus strand). Cytogenetic location: 1q32.2.
Variant type: single nucleotide variant.
Coding change: c.729C>T on transcript NM_025179.4 (MANE Select); coding-DNA position 729, C replaced by T.
Protein change: p.Tyr243=; no amino-acid change (tyrosine 243 retained).
Molecular consequence: synonymous variant.
Genome position (GRCh38, 1-based): chr1:208,217,194, G>A on the plus strand (C>T on the coding strand, the complement: PLXNA2 is on the minus strand). VCF-style: chr1-208217194-G-A. GRCh37 (hg19) VCF-style: chr1-208390539-G-A.
Identifiers: ClinVar variation 3347349 (VCV003347349.1).
Genomic context (GRCh38, chr1:208,217,194, plus strand): 5'-AGGGGTCTCGGGCTGGACAGTGAGAAAGTAGACAAAGCCCCCACTAGCAAAGCCGTAGAT[G>A]TAGAAGATGTCAAAGTGGGAGACCAGGGCCAGGGTGTCTGAAGGGATCTTGATGAGAGAG-3'
Protein context (NP_079455.3, residues 233-253): LALVSHFDIF[Tyr243=]IYGFASGGFV

ClinVar aggregate classification (germline): Likely benign (0 of 4 stars; one submission).

Conditions:
PLXNA2-related disorder. Also called: PLXNA2-related condition.

Submission:

PreventionGenetics, part of Exact Sciences
Classification: Likely benign for PLXNA2-related condition. Last evaluated: 2024-09-04. Review status: no assertion criteria provided. Collection method: clinical testing. Allele origin: germline.
Comment: This variant is classified as likely benign based on ACMG/AMP sequence variant interpretation guidelines (Richards et al. 2015 PMID: 25741868, with internal and published modifications).